The following is an entry in ClinVar:

NM_000257.4(MYH7):c.5216C>T (p.Thr1739Ile)

Genes: MYH7 (myosin heavy chain 7; minus strand), LOC126861897 (BRD4-independent group 4 enhancer GRCh37_chr14:23884455-23885654; plus strand). Cytogenetic location: 14q11.2.
Variant type: single nucleotide variant.
Coding change: c.5216C>T on transcript NM_000257.4 (MANE Select); coding-DNA position 5216, C replaced by T.
Protein change: p.Thr1739Ile; replaces threonine 1739 with isoleucine.
Molecular consequence: missense variant.
Genome position (GRCh38, 1-based): chr14:23,415,448, G>A on the plus strand (C>T on the coding strand, the complement: MYH7 is on the minus strand). VCF-style: chr14-23415448-G-A. GRCh37 (hg19) VCF-style: chr14-23884657-G-A.
Other names: short protein forms T1739I.
Identifiers: ClinVar variation 945029 (VCV000945029.13), dbSNP rs1469341108, ClinGen allele CA389036301.
Genomic context (GRCh38, chr14:23,415,448, plus strand): 5'-ATGGCCTTCTTGGCCTTCTCCTCAGCATTCCTGCACTCCTGCACTGCCTCCTCCACTTCA[G>A]TCTGGAGCTGGGACAGGTCAGCATCCATCTTCTTCTTCTGGTTGATGAGGCTGGTGTTCT-3'
Protein context (NP_000248.2, residues 1729-1749): KMDADLSQLQ[Thr1739Ile]EVEEAVQECR

ClinVar aggregate classification (germline): Uncertain significance. Review status: criteria provided, multiple submitters, no conflicts (2 of 4 stars). 5 submissions from 5 submitters: Uncertain significance (5). Last evaluated 2026-06-13.

Conditions:
Cardiovascular phenotype. Identifiers: MedGen CN230736.
Hypertrophic cardiomyopathy. Also called: HYPERTROPHIC MYOCARDIOPATHY. Identifiers: Orphanet 217569, MedGen C0007194, MeSH D002312, MONDO:0005045, HP:0001639.
Cardiomyopathy (CMYO). Also called: Cardiomyopathies. Identifiers: Orphanet 167848, MedGen C0878544, MONDO:0004994, HP:0001638. Inheritance: Various modes of inheritance.
MYH7-related disorder. Also called: MYH7-related condition; MYH7-related disease; MYH7-related disorders.

Allele frequency attached by ClinVar (database versions not stated): gnomAD 0.00001; TOPMed 0.00002.
gnomAD v4.1: 14 of 1,614,118 alleles (0.00087%); highest among the groups gnomAD compares: Admixed American, 0.022%; no homozygotes.

Submissions (5):

PreventionGenetics, part of Exact Sciences
Classification: Uncertain significance for MYH7-related condition. Last evaluated: 2026-06-13. Review status: criteria provided, single submitter. Criteria: ACMG Guidelines, 2015. Collection method: clinical testing. Allele origin: germline.
Comment: The MYH7 c.5216C>T variant is predicted to result in the amino acid substitution p.Thr1739Ile. To our knowledge, this variant has not been reported in the literature. This variant is reported in 0.023% of alleles in individuals of Latino descent in gnomAD. At this time, the clinical significance of this variant is uncertain due to the absence of conclusive functional and genetic evidence.

Ambry Genetics
Classification: Uncertain significance for Cardiovascular phenotype. Last evaluated: 2026-04-28. Review status: criteria provided, single submitter. Criteria: Ambry Variant Classification Scheme 2023. Collection method: clinical testing. Allele origin: germline.

All of Us Research Program, National Institutes of Health
Classification: Uncertain significance for Cardiomyopathy. Last evaluated: 2024-08-23. Review status: criteria provided, single submitter. Criteria: ACMG Guidelines, 2015. Collection method: clinical testing. Allele origin: germline. Inheritance: Autosomal dominant inheritance. Observed: 1 variant allele, 1 heterozygote.
Comment: This missense variant replaces threonine with isoleucine at codon 1739 of the MYH7 protein. Computational prediction suggests that this variant may not impact protein structure and function (internally defined REVEL score threshold <= 0.5, PMID: 27666373). To our knowledge, functional studies have not been reported for this variant. This variant has not been reported in individuals affected with cardiovascular disorders in the literature. This variant has not been identified in the general population by the Genome Aggregation Database (gnomAD). The available evidence is insufficient to determine the role of this variant in disease conclusively. Therefore, this variant is classified as a Variant of Uncertain Significance.

This study involves interpretation of variants in research participants for the purpose of population health screening. Participant phenotype was not available at the time of variant classification. Additional details can be found in publication PMID: 35346344, PMCID: PMC8962531

Color Diagnostics, LLC DBA Color Health
Classification: Uncertain significance for Cardiomyopathy. Last evaluated: 2024-03-06. Review status: criteria provided, single submitter. Criteria: ACMG Guidelines, 2015. Collection method: clinical testing. Allele origin: germline.
Comment: This missense variant replaces threonine with isoleucine at codon 1739 of the MYH7 protein. Computational prediction suggests that this variant may not impact protein structure and function (internally defined REVEL score threshold <= 0.5, PMID: 27666373). To our knowledge, functional studies have not been reported for this variant. This variant has not been reported in individuals affected with cardiovascular disorders in the literature. This variant has not been identified in the general population by the Genome Aggregation Database (gnomAD). The available evidence is insufficient to determine the role of this variant in disease conclusively. Therefore, this variant is classified as a Variant of Uncertain Significance.

Labcorp Genetics (formerly Invitae), Labcorp
Classification: Uncertain significance for Hypertrophic cardiomyopathy. Last evaluated: 2024-01-15. Review status: criteria provided, single submitter. Criteria: Invitae Variant Classification Sherloc (09022015). Collection method: clinical testing. Allele origin: germline.
Comment: This sequence change replaces threonine, which is neutral and polar, with isoleucine, which is neutral and non-polar, at codon 1739 of the MYH7 protein (p.Thr1739Ile). The frequency data for this variant in the population databases is considered unreliable, as metrics indicate poor data quality at this position in the gnomAD database. This variant has not been reported in the literature in individuals affected with MYH7-related conditions. ClinVar contains an entry for this variant (Variation ID: 945029). Advanced modeling of protein sequence and biophysical properties (such as structural, functional, and spatial information, amino acid conservation, physicochemical variation, residue mobility, and thermodynamic stability) has been performed at Invitae for this missense variant, however the output from this modeling did not meet the statistical confidence thresholds required to predict the impact of this variant on MYH7 protein function. In summary, the available evidence is currently insufficient to determine the role of this variant in disease. Therefore, it has been classified as a Variant of Uncertain Significance.